The following is an entry in ClinVar:

ClinVar aggregate classification (germline): Likely benign (1 of 4 stars; one submission).

Submission:

CeGaT Center for Human Genetics Tuebingen
Classification: Likely benign. Last evaluated: 2022-06-01. Review status: criteria provided, single submitter. Criteria: CeGaT Center For Human Genetics Tuebingen Variant Classification Criteria Version 2. Collection method: clinical testing. Allele origin: germline. Affected: yes. Observed: 1 variant allele.
Comment: MYO3A: PM2:Supporting, BP4, BP7

NM_017433.5(MYO3A):c.1848A>T (p.Ala616=)

Gene: MYO3A (myosin IIIA; plus strand). Cytogenetic location: 10p12.1.
Variant type: single nucleotide variant.
Coding change: c.1848A>T on transcript NM_017433.5 (MANE Select); coding-DNA position 1848, A replaced by T.
Protein change: p.Ala616=; no amino-acid change (alanine 616 retained).
Molecular consequence: synonymous variant.
Genome position (GRCh38, 1-based): chr10:26,120,747, A>T. VCF-style: chr10-26120747-A-T. GRCh37 (hg19) VCF-style: chr10-26409676-A-T.
Identifiers: ClinVar variation 2640361 (VCV002640361.24), dbSNP rs2493478527, ClinGen allele CA468481134.
Genomic context (GRCh38, chr10:26,120,747, plus strand): 5'-TATATACAGCATACTCGCTGCAATCTTGAATGTTGGCAACATTGAATTTTCTTCTGTGGC[A>T]ACTGAACACCAGATTGACAAGAGCCACATTTCTAATCATACAGCCCTGGAGAACTGTAAG-3'
Protein context (NP_059129.3, residues 606-626): NVGNIEFSSV[Ala616=]TEHQIDKSHI